The following is an entry in ClinVar:

ClinVar aggregate classification (germline): Pathogenic/Likely pathogenic. Review status: criteria provided, multiple submitters, no conflicts (2 of 4 stars). 2 submissions from 2 submitters: Pathogenic (1); Likely pathogenic (1). Last evaluated 2026-01-20.

Conditions:
Polycystic kidney disease, adult type (PKD1). Also called: Polycystic Kidney Disease 1, Autosomal Dominant; Polycystic kidney disease 1; Polycystic kidney disease 1, severe; POLYCYSTIC KIDNEY DISEASE 1 WITH OR WITHOUT POLYCYSTIC LIVER DISEASE; Polycystic Kidney, Autosomal Dominant; POLYCYSTIC KIDNEY DISEASE, ADULT, TYPE I. Identifiers: MedGen C3149841, MONDO:0008263, OMIM 173900.
PKD1-related disorder. Also called: PKD1-related condition.

Submissions (2):

PreventionGenetics, part of Exact Sciences
Classification: Likely pathogenic for PKD1-related condition. Last evaluated: 2026-01-20. Review status: criteria provided, single submitter. Criteria: ACMG Guidelines, 2015. Collection method: clinical testing. Allele origin: germline.
Comment: The PKD1 c.9924-1G>T variant is predicted to disrupt the AG splice acceptor site and interfere with normal splicing. To our knowledge, this variant has not been reported in the literature or in a large population database (gnomAD), indicating this variant is rare. Variants that disrupt the consensus splice acceptor site in PKD1 are expected to be pathogenic. Of note, other splice variants affecting this canonical splice acceptor site have been reported to be pathogenic for autosomal dominant polycystic kidney disease (ADPKD) (see for example, c.9924-2A>G in Xu et al. 2018. PubMed ID: 29529603; c.9924-1G>C in Hoefele et al. 2010. PubMed ID: 21115670). The c.9924-1G>T variant is interpreted as likely pathogenic.

Department of Pathology and Laboratory Medicine, Sinai Health System
Classification: Pathogenic for Polycystic kidney disease, adult type. Last evaluated: 2021-11-18. Review status: criteria provided, single submitter. Criteria: ACMG Guidelines, 2015. Collection method: clinical testing. Allele origin: germline. Affected: yes.

NM_001009944.3(PKD1):c.9924-1G>T

Gene: PKD1 (polycystin 1, transient receptor potential channel interacting; minus strand). Cytogenetic location: 16p13.3.
Variant type: single nucleotide variant.
Coding change: c.9924-1G>T on transcript NM_001009944.3 (MANE Select); the canonical splice acceptor site of the intron before coding-DNA position 9924, G replaced by T.
Molecular consequence: splice acceptor variant.
Genome position (GRCh38, 1-based): chr16:2,099,771, C>A on the plus strand (G>T on the coding strand, the complement: PKD1 is on the minus strand). VCF-style: chr16-2099771-C-A. GRCh37 (hg19) VCF-style: chr16-2149772-C-A.
Other names: c.9924-1G>T (NM_000296.4).
Identifiers: ClinVar variation 3780347 (VCV003780347.2).